The following is an entry in ClinVar:

NM_003906.5(MCM3AP):c.2425T>C (p.Tyr809His)

Gene: MCM3AP (minichromosome maintenance complex component 3 associated protein; minus strand). Cytogenetic location: 21q22.3.
Variant type: single nucleotide variant.
Coding change: c.2425T>C on transcript NM_003906.5 (MANE Select); coding-DNA position 2425, T replaced by C.
Protein change: p.Tyr809His; replaces tyrosine 809 with histidine.
Molecular consequence: missense variant.
Genome position (GRCh38, 1-based): chr21:46,272,601, A>G on the plus strand (T>C on the coding strand, the complement: MCM3AP is on the minus strand). VCF-style: chr21-46272601-A-G. GRCh37 (hg19) VCF-style: chr21-47692515-A-G.
Other names: short protein forms Y809H.
Identifiers: ClinVar variation 1382462 (VCV001382462.6), dbSNP rs2145695075, ClinGen allele CA410523816.
Genomic context (GRCh38, chr21:46,272,601, plus strand): 5'-TTTTGGATGTGAAAATTCACCTTAGGATGTCTCCCTTGTTGAGACTGAGCAGAACATTGT[A>G]GCCCTGGAACTCCGCTTCGCTGGCACAGAAGACACCCTTGTTTCTCAGGTCCTGGTACAT-3'
Protein context (NP_003897.2, residues 799-819): FCASEAEFQG[Tyr809His]NVLLSLNKGD

ClinVar aggregate classification (germline): Uncertain significance (1 of 4 stars; one submission).

Submission:

Labcorp Genetics (formerly Invitae), Labcorp
Classification: Uncertain significance. Last evaluated: 2021-12-01. Review status: criteria provided, single submitter. Criteria: Invitae Variant Classification Sherloc (09022015). Collection method: clinical testing. Allele origin: germline.
Comment: This variant is not present in population databases (gnomAD no frequency). This sequence change replaces tyrosine, which is neutral and polar, with histidine, which is basic and polar, at codon 809 of the MCM3AP protein (p.Tyr809His). In summary, the available evidence is currently insufficient to determine the role of this variant in disease. Therefore, it has been classified as a Variant of Uncertain Significance. Algorithms developed to predict the effect of missense changes on protein structure and function (SIFT, PolyPhen-2, Align-GVGD) all suggest that this variant is likely to be disruptive. This variant has not been reported in the literature in individuals affected with MCM3AP-related conditions.